The following is an entry in ClinVar:

ClinVar aggregate classification (germline): Uncertain significance (1 of 4 stars; one submission).

Conditions:
Developmental and epileptic encephalopathy, 31A. Also called: Epileptic encephalopathy, early infantile, 31; Developmental and epileptic encephalopathy, 31. Identifiers: Orphanet 2382, MedGen C4225357, MONDO:0014598, OMIM 616346.

gnomAD v4.1: 4 of 1,614,092 alleles (0.00025%); highest among the groups gnomAD compares: East Asian, 0.0089%; no homozygotes.

Submission:

Labcorp Genetics (formerly Invitae), Labcorp
Classification: Uncertain significance for Developmental and epileptic encephalopathy, 31A. Last evaluated: 2026-01-05. Review status: criteria provided, single submitter. Criteria: Invitae Variant Classification Sherloc (09022015). Collection method: clinical testing. Allele origin: germline.
Comment: This sequence change replaces glutamic acid, which is acidic and polar, with aspartic acid, which is acidic and polar, at codon 383 of the DNM1 protein (p.Glu383Asp). This variant is not present in population databases (gnomAD no frequency). This variant has not been reported in the literature in individuals affected with DNM1-related conditions. Invitae Evidence Modeling of protein sequence and biophysical properties (such as structural, functional, and spatial information, amino acid conservation, physicochemical variation, residue mobility, and thermodynamic stability) indicates that this missense variant is not expected to disrupt DNM1 protein function with a negative predictive value of 95%. In summary, the available evidence is currently insufficient to determine the role of this variant in disease. Therefore, it has been classified as a Variant of Uncertain Significance.

NM_004408.4(DNM1):c.1149A>T (p.Glu383Asp)

Gene: DNM1 (dynamin 1; plus strand). Cytogenetic location: 9q34.11.
Variant type: single nucleotide variant.
Coding change: c.1149A>T on transcript NM_004408.4 (MANE Select); coding-DNA position 1149, A replaced by T.
Protein change: p.Glu383Asp; replaces glutamic acid 383 with aspartic acid.
Molecular consequence: missense variant.
Genome position (GRCh38, 1-based): chr9:128,222,813, A>T. VCF-style: chr9-128222813-A-T. GRCh37 (hg19) VCF-style: chr9-130985092-A-T.
Other names: c.1149A>T, p.Glu383Asp (NM_001005336.3, NM_001288737.2, NM_001288738.2 and 2 more transcripts); short protein forms E383D.
Identifiers: ClinVar variation 4801830 (VCV004801830.1).